The following is an entry in ClinVar:

ClinVar aggregate classification (germline): Uncertain significance (1 of 4 stars; one submission).

gnomAD v4.1: 2 of 1,614,062 alleles (0.00012%); highest among the groups gnomAD compares: Admixed American, 0.0033%; no homozygotes.

Submission:

Labcorp Genetics (formerly Invitae), Labcorp
Classification: Uncertain significance. Last evaluated: 2024-02-01. Review status: criteria provided, single submitter. Criteria: Invitae Variant Classification Sherloc (09022015). Collection method: clinical testing. Allele origin: germline.
Comment: This sequence change replaces isoleucine, which is neutral and non-polar, with asparagine, which is neutral and polar, at codon 97 of the IL18BP protein (p.Ile97Asn). This variant is not present in population databases (gnomAD no frequency). This variant has not been reported in the literature in individuals affected with IL18BP-related conditions. An algorithm developed to predict the effect of missense changes on protein structure and function (PolyPhen-2) suggests that this variant is likely to be tolerated. In summary, the available evidence is currently insufficient to determine the role of this variant in disease. Therefore, it has been classified as a Variant of Uncertain Significance.

NM_001039660.2(IL18BP):c.290T>A (p.Ile97Asn)

Gene: IL18BP (interleukin 18 binding protein; plus strand). Cytogenetic location: 11q13.4.
Variant type: single nucleotide variant.
Coding change: c.290T>A on transcript NM_001039660.2 (MANE Select); coding-DNA position 290, T replaced by A.
Protein change: p.Ile97Asn; replaces isoleucine 97 with asparagine.
Molecular consequence: missense variant. On other transcripts: intron variant (1).
Genome position (GRCh38, 1-based): chr11:72,001,255, T>A. VCF-style: chr11-72001255-T-A. GRCh37 (hg19) VCF-style: chr11-71712301-T-A.
Other names: c.290T>A, p.Ile97Asn (NM_001039659.2, NM_001145057.1, NM_005699.3 and 2 more transcripts); c.236-529T>A (NM_001145055.1); short protein forms I97N.
Identifiers: ClinVar variation 3682211 (VCV003682211.2).